The following is an entry in ClinVar:

ClinVar aggregate classification (germline): Pathogenic (1 of 4 stars; one submission).

Submission:

Ambry Genetics
Classification: Pathogenic. Last evaluated: 2026-05-29. Review status: criteria provided, single submitter. Criteria: Ambry Variant Classification Scheme 2023. Collection method: clinical testing. Allele origin: germline.
Comment: The c.1009_1010delTT variant, located in coding exon 1 of the MLH3 gene, results from a deletion of two nucleotides at nucleotide positions 1009 to 1010, causing a translational frameshift with a predicted alternate stop codon (p.L337Vfs*23). This variant is considered to be rare based on population cohorts in the Genome Aggregation Database (gnomAD). This alteration is expected to result in loss of function by premature protein truncation or nonsense-mediated mRNA decay. As such, this alteration is interpreted as a disease-causing mutation.

NM_001040108.2(MLH3):c.1009_1010del (p.Leu337fs)

Gene: MLH3 (mutL homolog 3; minus strand). Cytogenetic location: 14q24.3.
Variant type: Deletion.
Coding change: c.1009_1010del on transcript NM_001040108.2 (MANE Select); coding-DNA positions 1009 to 1010, 2 bases deleted (TT; older notation c.1009_1010delTT).
Protein change: p.Leu337fs; shifts the reading frame from leucine 337.
Molecular consequence: frameshift variant.
Genome position (GRCh38, 1-based): chr14:75,048,646-75,048,647, AA deleted on the plus strand (TT on the coding strand, the reverse complement: MLH3 is on the minus strand). VCF-style (leftmost placement, unchanged base first): chr14-75048645-CAA-C. GRCh37 (hg19) VCF-style: chr14-75515348-CAA-C.
Other names: c.1009_1010del, p.Leu337fs (NM_014381.3); short protein forms L337fs.
Identifiers: ClinVar variation 4552068 (VCV004552068.2).